The following is an entry in ClinVar:

NM_000138.5(FBN1):c.3310G>A (p.Gly1104Arg)

Gene: FBN1 (fibrillin 1; minus strand). Cytogenetic location: 15q21.1.
Variant type: single nucleotide variant.
Coding change: c.3310G>A on transcript NM_000138.5 (MANE Select); coding-DNA position 3310, G replaced by A.
Protein change: p.Gly1104Arg; replaces glycine 1104 with arginine.
Molecular consequence: missense variant.
Genome position (GRCh38, 1-based): chr15:48,488,140, C>T on the plus strand (G>A on the coding strand, the complement: FBN1 is on the minus strand). VCF-style: chr15-48488140-C-T. GRCh37 (hg19) VCF-style: chr15-48780337-C-T.
Other names: c.3310G>A, p.Gly1104Arg (NM_001406716.1); short protein forms G1104R.
Identifiers: ClinVar variation 1730088 (VCV001730088.3), dbSNP rs2505552468, ClinGen allele CA392327100.

ClinVar aggregate classification (germline): Uncertain significance. Review status: criteria provided, multiple submitters, no conflicts (2 of 4 stars). 2 submissions from 2 submitters: Uncertain significance (2). Last evaluated 2025-08-30.

Conditions:
Marfan syndrome (MFS). Also called: Marfan's syndrome; Marfan syndrome, classic; MARFAN SYNDROME, TYPE I; Marfan syndrome type 1; FBN1-Related Marfan Syndrome. Identifiers: Orphanet 284963, Orphanet 558, MedGen C0024796, MONDO:0007947, OMIM 154700.
Familial thoracic aortic aneurysm and aortic dissection (TAAD). Also called: Thoracic aortic aneurysms and dissections. Identifiers: Orphanet 91387, MedGen C4707243, MONDO:0019625.

Submissions (2):

Labcorp Genetics (formerly Invitae), Labcorp
Classification: Uncertain significance for Marfan syndrome; Familial thoracic aortic aneurysm and aortic dissection. Last evaluated: 2025-08-30. Review status: criteria provided, single submitter. Criteria: Invitae Variant Classification Sherloc (09022015). Collection method: clinical testing. Allele origin: germline.
Comment: This sequence change replaces glycine, which is neutral and non-polar, with arginine, which is basic and polar, at codon 1104 of the FBN1 protein (p.Gly1104Arg). This variant is not present in population databases (gnomAD no frequency). This variant has not been reported in the literature in individuals affected with FBN1-related conditions. ClinVar contains an entry for this variant (Variation ID: 1730088). Invitae Evidence Modeling of protein sequence and biophysical properties (such as structural, functional, and spatial information, amino acid conservation, physicochemical variation, residue mobility, and thermodynamic stability) indicates that this missense variant is expected to disrupt FBN1 protein function with a positive predictive value of 95%. In summary, the available evidence is currently insufficient to determine the role of this variant in disease. Therefore, it has been classified as a Variant of Uncertain Significance.

Ambry Genetics
Classification: Uncertain significance for Familial thoracic aortic aneurysm and aortic dissection. Last evaluated: 2021-04-30. Review status: criteria provided, single submitter. Criteria: Ambry Variant Classification Scheme 2023. Collection method: clinical testing. Allele origin: germline.
Comment: The p.G1104R variant (also known as c.3310G>A), located in coding exon 26 of the FBN1 gene, results from a G to A substitution at nucleotide position 3310. The glycine at codon 1104 is replaced by arginine, an amino acid with dissimilar properties. This amino acid position is highly conserved in available vertebrate species. In addition, this alteration is predicted to be deleterious by in silico analysis. Since supporting evidence is limited at this time, the clinical significance of this alteration remains unclear.